The following is an entry in ClinVar:

ClinVar aggregate classification (germline): Likely pathogenic (1 of 4 stars; one submission).

Submission:

Labcorp Genetics (formerly Invitae), Labcorp
Classification: Likely pathogenic. Last evaluated: 2021-08-04. Review status: criteria provided, single submitter. Criteria: Invitae Variant Classification Sherloc (09022015). Collection method: clinical testing. Allele origin: germline.
Comment: This variant is a gross deletion of the genomic region encompassing exon(s) 3 of the MLC1 gene. This variant would be expected to be in-frame, preserving the integrity of the reading frame. This variant has not been reported in the literature in individuals affected with MLC1-related conditions. This variant disrupts the p.Gly73 amino acid residue in MLC1. Other variant(s) that disrupt this residue have been determined to be pathogenic (PMID: 21160490, 25919557, 27322623). This suggests that this residue is clinically significant, and that variants that disrupt this residue are likely to be disease-causing. In summary, the currently available evidence indicates that the variant is pathogenic, but additional data are needed to prove that conclusively. Therefore, this variant has been classified as Likely Pathogenic.

Literature cited by the submitters: PubMed 21160490; PubMed 25919557; PubMed 27322623.

NC_000022.10:g.(?_50521503)_(50521612_?)del

Gene: MLC1 (modulator of VRAC current 1; minus strand). Cytogenetic location: 22q13.33.
Variant type: Deletion.
Identifiers: ClinVar variation 1068451 (VCV001068451.6).